The following is an entry in ClinVar:

ClinVar aggregate classification (germline): Likely pathogenic. Review status: criteria provided, multiple submitters, no conflicts (2 of 4 stars). 3 submissions from 3 submitters: Likely pathogenic (3). Last evaluated 2025-08-09.

Conditions:
Hyperammonemia, type III (NAGSD). Also called: Hyperammonemia due to N-acetylglutamate synthase deficiency. Identifiers: Orphanet 927, MedGen C0268543, MONDO:0009377, OMIM 237310.

Allele frequency attached by ClinVar (database versions not stated): TOPMed 0.00001.

Submissions (3):

Natera, Inc.
Classification: Likely pathogenic for Hyperammonemia type III. Last evaluated: 2025-08-09. Review status: criteria provided, single submitter. Criteria: Natera Variant Classification Schema (03/2026). Collection method: clinical testing. Allele origin: germline.
Comment: The c.424G>T variant in NAGS is a nonsense variant predicted to introduce a stop codon at amino acid 142. This variant is expected to result in nonsense mediated decay, truncation, or a dysfunctional protein product. This variant is rare in the general population with a frequency below the threshold expected for the associated phenotype(s). Given the available evidence, this variant is classified as Likely Pathogenic.

Baylor Genetics
Classification: Likely pathogenic for Hyperammonemia, type III. Last evaluated: 2022-01-21. Review status: criteria provided, single submitter. Criteria: ACMG Guidelines, 2015. Collection method: clinical testing. Allele origin: unknown.

Mendelics
Classification: Likely pathogenic. Last evaluated: 2019-05-28. Review status: criteria provided, single submitter. Criteria: Mendelics Assertion Criteria 2017. Collection method: clinical testing. Allele origin: unknown.

NM_153006.3(NAGS):c.424G>T (p.Glu142Ter)

Gene: NAGS (N-acetylglutamate synthase; plus strand). Cytogenetic location: 17q21.31.
Variant type: single nucleotide variant.
Coding change: c.424G>T on transcript NM_153006.3 (MANE Select); coding-DNA position 424, G replaced by T.
Protein change: p.Glu142Ter; replaces glutamic acid 142 with a stop codon.
Molecular consequence: nonsense.
Genome position (GRCh38, 1-based): chr17:44,005,087, G>T. VCF-style: chr17-44005087-G-T. GRCh37 (hg19) VCF-style: chr17-42082455-G-T.
Other names: c.424G>T (NM_153006.2); short protein forms E142*.
Identifiers: ClinVar variation 801408 (VCV000801408.3), dbSNP rs1282296585, ClinGen allele CA399737997.